The following is an entry in ClinVar:

NM_014915.3(ANKRD26):c.-132G>A

Gene: ANKRD26 (ankyrin repeat domain 26; minus strand). Cytogenetic location: 10p12.1.
Variant type: single nucleotide variant.
Coding change: c.-132G>A on transcript NM_014915.3 (MANE Select); 132 bases upstream of the start codon, G replaced by A.
Molecular consequence: 5 prime UTR variant.
Genome position (GRCh38, 1-based): chr10:27,100,458, C>T on the plus strand (G>A on the coding strand, the complement: ANKRD26 is on the minus strand). VCF-style: chr10-27100458-C-T. GRCh37 (hg19) VCF-style: chr10-27389387-C-T.
Other names: c.-132G>A (NM_001256053.2).
Identifiers: ClinVar variation 4531431 (VCV004531431.1).

ClinVar aggregate classification (germline): Uncertain significance (1 of 4 stars; one submission).

Conditions:
Thrombocytopenia 2 (THC2). Also called: ANKRD26-Related Thrombocytopenia. Identifiers: Orphanet 268322, MedGen C1861185, MONDO:0008555, OMIM 188000.

gnomAD v4.1: 11 of 1,355,286 alleles (0.00081%); highest among the groups gnomAD compares: South Asian, 0.015%; no homozygotes.

Submission:

Victorian Clinical Genetics Services, Murdoch Childrens Research Institute
Classification: Uncertain significance for Thrombocytopenia 2. Last evaluated: 2025-06-24. Review status: criteria provided, single submitter. Criteria: ACMG Guidelines, 2015. Collection method: clinical testing. Allele origin: germline. Affected: yes.
Comment: This variant is classified as VUS-3B. Evidence in support of pathogenic classification: Variant is present in gnomAD <0.001 for a dominant condition (v4: 11 heterozygote(s), 0 homozygote(s)); Variant is located in a hotspot region or cluster of PATHOGENIC variants. This variant is located within a short stretch of nucleotides in the 5'UTR region, where the majority of pathogenic ANKRD26 variants are located (PMID: 35587581). Additional information: Non-coding variant without known or predicted effect; This variant is heterozygous; This gene is associated with autosomal dominant disease; This variant has no previous evidence of pathogenicity; No published evidence of segregation with disease has been identified for this variant; No published functional evidence has been identified for this variant; No comparable non-coding variants have previous evidence for pathogenicity; Gain of function is a known mechanism of disease in this gene and is associated with thrombocytopenia 2 (MIM#188000) (PMID: 35587581); Variants in this gene are known to have variable expressivity. The bleeding phenotype is variable, whereby most individuals have a normal or mild bleeding phenotype without a history of spontaneous or prolonged surgical bleeding. However, some individuals experiencing spontaneous epistaxis, bruising, or menorrhagia have also been reported (PMID: 35587581).

Literature cited by the submitters: PubMed 35587581.